The following is an entry in ClinVar:

NM_004628.5(XPC):c.2368dup (p.Cys790fs)

Gene: XPC (XPC complex subunit, DNA damage recognition and repair factor; minus strand). Cytogenetic location: 3p25.1.
Variant type: Duplication.
Coding change: c.2368dup on transcript NM_004628.5 (MANE Select); coding-DNA position 2368, one base duplicated (T; older notation c.2368dupT).
Protein change: p.Cys790fs; shifts the reading frame from cysteine 790.
Molecular consequence: frameshift variant. On other transcripts: non-coding transcript variant (2).
Genome position (GRCh38, 1-based): chr3:14,148,614, A duplicated on the plus strand (T on the coding strand, the reverse complement: XPC is on the minus strand). VCF-style (leftmost placement, unchanged base first): chr3-14148613-C-CA. GRCh37 (hg19) VCF-style: chr3-14190113-C-CA.
Other names: c.1789dup, p.Cys597fs (NM_001354726.2); c.2362dup, p.Cys788fs (NM_001354727.2); c.2350dup, p.Cys784fs (NM_001354729.2); c.2122dup, p.Cys708fs (NM_001354730.2); short protein forms C708fs, C788fs, C784fs, C790fs, C597fs.
Identifiers: ClinVar variation 1951736 (VCV001951736.5), dbSNP rs2470225440, ClinGen allele CA2580068489.

ClinVar aggregate classification (germline): Pathogenic (1 of 4 stars; one submission).

Submission:

Labcorp Genetics (formerly Invitae), Labcorp
Classification: Pathogenic. Last evaluated: 2022-01-06. Review status: criteria provided, single submitter. Criteria: Invitae Variant Classification Sherloc (09022015). Collection method: clinical testing. Allele origin: germline.
Comment: This sequence change creates a premature translational stop signal (p.Cys790Leufs*9) in the XPC gene. It is expected to result in an absent or disrupted protein product. Loss-of-function variants in XPC are known to be pathogenic (PMID: 23173980, 25256075). This variant is not present in population databases (gnomAD no frequency). This variant has not been reported in the literature in individuals affected with XPC-related conditions. For these reasons, this variant has been classified as Pathogenic.

Literature cited by the submitters: PubMed 23173980; PubMed 25256075.